The following is an entry in ClinVar:

ClinVar aggregate classification (germline): Uncertain significance (1 of 4 stars; one submission).

Conditions:
Dilated cardiomyopathy 1DD (CMD1DD). Identifiers: Orphanet 154, MedGen C2750995, MONDO:0013168, OMIM 613172.

Submission:

Labcorp Genetics (formerly Invitae), Labcorp
Classification: Uncertain significance for Dilated cardiomyopathy 1DD. Last evaluated: 2023-11-15. Review status: criteria provided, single submitter. Criteria: Invitae Variant Classification Sherloc (09022015). Collection method: clinical testing. Allele origin: germline.
Comment: This sequence change replaces arginine, which is basic and polar, with glycine, which is neutral and non-polar, at codon 634 of the RBM20 protein (p.Arg634Gly). This variant is not present in population databases (gnomAD no frequency). This variant has not been reported in the literature in individuals affected with RBM20-related conditions. Advanced modeling of protein sequence and biophysical properties (such as structural, functional, and spatial information, amino acid conservation, physicochemical variation, residue mobility, and thermodynamic stability) performed at Invitae indicates that this missense variant is not expected to disrupt RBM20 protein function with a negative predictive value of 95%. This variant disrupts the p.Arg634 amino acid residue in RBM20. Other variant(s) that disrupt this residue have been determined to be pathogenic (PMID: 20590677, 29447731, 29540472, 29895960, 30557877). This suggests that this residue is clinically significant, and that variants that disrupt this residue are likely to be disease-causing. In summary, the available evidence is currently insufficient to determine the role of this variant in disease. Therefore, it has been classified as a Variant of Uncertain Significance.

Literature cited by the submitters: PubMed 20590677; PubMed 29447731; PubMed 29540472; PubMed 29895960; PubMed 30557877.

NM_001134363.3(RBM20):c.1900C>G (p.Arg634Gly)

Gene: RBM20 (RNA binding motif protein 20; plus strand). Cytogenetic location: 10q25.2.
Variant type: single nucleotide variant.
Coding change: c.1900C>G on transcript NM_001134363.3 (MANE Select); coding-DNA position 1900, C replaced by G.
Protein change: p.Arg634Gly; replaces arginine 634 with glycine.
Molecular consequence: missense variant.
Genome position (GRCh38, 1-based): chr10:110,812,297, C>G. VCF-style: chr10-110812297-C-G. GRCh37 (hg19) VCF-style: chr10-112572055-C-G.
Other names: short protein forms R634G.
Identifiers: ClinVar variation 2696059 (VCV002696059.3), dbSNP rs796734066, ClinGen allele CA378370285.